The following is an entry in ClinVar:

ClinVar aggregate classification (germline): Uncertain significance. Review status: criteria provided, multiple submitters, no conflicts (2 of 4 stars). 3 submissions from 3 submitters: Uncertain significance (2). 1 of the submissions does not count toward it. Last evaluated 2025-12-15.

Conditions:
Familial thoracic aortic aneurysm and aortic dissection (TAAD). Also called: Thoracic aortic aneurysms and dissections. Identifiers: Orphanet 91387, MedGen C4707243, MONDO:0019625.
Frontometaphyseal dysplasia (FMD1). Identifiers: Orphanet 1826, MedGen C0265293, MONDO:0015942.
Heterotopia, periventricular, X-linked dominant (PVNH1). Also called: PERIVENTRICULAR NODULAR HETEROTOPIA 1; X-linked periventricular heterotopia; PERIVENTRICULAR NODULAR HETEROTOPIA 4; HETEROTOPIA, PERIVENTRICULAR, 1. Identifiers: Orphanet 2149, Orphanet 82004, MedGen C1848213, MONDO:0010233, OMIM 300049.
Melnick-Needles syndrome (MNS). Also called: MELNICK-NEEDLES OSTEODYSPLASTY; OSTEODYSPLASTY OF MELNICK AND NEEDLES; Melnick-Needles Syndrome (FLNA-MNS). Identifiers: Orphanet 2484, MedGen C0025237, MONDO:0010650, OMIM 309350.
Oto-palato-digital syndrome, type II (OPD2). Also called: OPD II SYNDROME; FACIOPALATOOSSEOUS SYNDROME; Otopalatodigital Syndrome Type 2 (FLNA-OPD2); Otopalatodigital Syndrome, Type II. Identifiers: Orphanet 669, Orphanet 90652, MedGen C1844696, MONDO:0010571, OMIM 304120.
FLNA-related disorder.

Allele frequency attached by ClinVar (database versions not stated): TOPMed 0.00001.
gnomAD v4.1: 6 of 1,211,501 alleles (0.0005%); highest among the groups gnomAD compares: Non-Finnish European, 0.00067%; no homozygotes.

Submissions (3):

Ambry Genetics
Classification: Uncertain significance for Familial thoracic aortic aneurysm and aortic dissection. Last evaluated: 2025-12-15. Review status: criteria provided, single submitter. Criteria: Ambry Variant Classification Scheme 2023. Collection method: clinical testing. Allele origin: germline.

Labcorp Genetics (formerly Invitae), Labcorp
Classification: Uncertain significance for Oto-palato-digital syndrome, type II; Heterotopia, periventricular, X-linked dominant; Frontometaphyseal dysplasia; Melnick-Needles syndrome. Last evaluated: 2024-08-28. Review status: criteria provided, single submitter. Criteria: Invitae Variant Classification Sherloc (09022015). Collection method: clinical testing. Allele origin: germline.
Comment: This sequence change replaces valine, which is neutral and non-polar, with leucine, which is neutral and non-polar, at codon 537 of the FLNA protein (p.Val537Leu). This variant is not present in population databases (gnomAD no frequency). This variant has not been reported in the literature in individuals affected with FLNA-related conditions. ClinVar contains an entry for this variant (Variation ID: 933890). Invitae Evidence Modeling of protein sequence and biophysical properties (such as structural, functional, and spatial information, amino acid conservation, physicochemical variation, residue mobility, and thermodynamic stability) indicates that this missense variant is not expected to disrupt FLNA protein function with a negative predictive value of 95%. In summary, the available evidence is currently insufficient to determine the role of this variant in disease. Therefore, it has been classified as a Variant of Uncertain Significance.

PreventionGenetics, part of Exact Sciences
Classification: Uncertain significance for FLNA-related condition. Last evaluated: 2023-10-20. Review status: no assertion criteria provided. Collection method: clinical testing. Allele origin: germline. Not counted in ClinVar's aggregate classification.
Comment: The FLNA c.1609G>C variant is predicted to result in the amino acid substitution p.Val537Leu. To our knowledge, this variant has not been reported in the literature or in a large population database, indicating this variant is rare. At this time, the clinical significance of this variant is uncertain due to the absence of conclusive functional and genetic evidence.

NM_001110556.2(FLNA):c.1609G>C (p.Val537Leu)

Gene: FLNA (filamin A; minus strand). Cytogenetic location: Xq28.
Variant type: single nucleotide variant.
Coding change: c.1609G>C on transcript NM_001110556.2 (MANE Select); coding-DNA position 1609, G replaced by C.
Protein change: p.Val537Leu; replaces valine 537 with leucine.
Molecular consequence: missense variant.
Genome position (GRCh38, 1-based): chrX:154,365,218, C>G on the plus strand (G>C on the coding strand, the complement: FLNA is on the minus strand). VCF-style: chrX-154365218-C-G. GRCh37 (hg19) VCF-style: chrX-153593586-C-G.
Other names: c.1609G>C (NM_001110556.1); c.1609G>C, p.Val537Leu (NM_001456.4); short protein forms V537L.
Identifiers: ClinVar variation 933890 (VCV000933890.14), dbSNP rs782067087, ClinGen allele CA415243197.